The following is an entry in ClinVar:

ClinVar aggregate classification (germline): Likely benign. Review status: criteria provided, multiple submitters, no conflicts (2 of 4 stars). 2 submissions from 2 submitters: Likely benign (2). Last evaluated 2018-06-14.

Allele frequency attached by ClinVar (database versions not stated): gnomAD exomes 0.00152; gnomAD 0.01149 and 0.01244; 1000 Genomes Project 0.01178; TOPMed 0.01303; 1000 Genomes Project 30x 0.01312.
gnomAD v4.1: 2,507 of 622,936 alleles (0.4%); highest among the groups gnomAD compares: African/African-American, 3.8%; 32 homozygotes.

Submissions (2):

GeneDx
Classification: Likely benign. Last evaluated: 2018-06-14. Review status: criteria provided, single submitter. Criteria: GeneDx Variant Classification (06012015). Collection method: clinical testing. Allele origin: germline. Affected: yes.
Comment: This variant is considered likely benign or benign based on one or more of the following criteria: it is a conservative change, it occurs at a poorly conserved position in the protein, it is predicted to be benign by multiple in silico algorithms, and/or has population frequency not consistent with disease.

Breakthrough Genomics
Classification: Likely benign. Review status: criteria provided, single submitter. Criteria: ACMG Guidelines, 2015. Collection method: not provided. Allele origin: germline. Inheritance: Autosomal dominant inheritance. Affected: yes.

NM_001276345.2(TNNT2):c.-14-201G>A

Gene: TNNT2 (troponin T2, cardiac type; minus strand). Cytogenetic location: 1q32.1.
Variant type: single nucleotide variant.
Coding change: c.-14-201G>A on transcript NM_001276345.2 (MANE Select); 201 bases into the intron before 14 bases upstream of the start codon, G replaced by A.
Molecular consequence: intron variant.
Genome position (GRCh38, 1-based): chr1:201,373,469, C>T on the plus strand (G>A on the coding strand, the complement: TNNT2 is on the minus strand). VCF-style: chr1-201373469-C-T. GRCh37 (hg19) VCF-style: chr1-201342597-C-T.
Other names: c.-14-201G>A (NM_001001432.3, NM_001001431.3, NM_001001430.3 and 2 more transcripts); c.-147-68G>A (NM_001276347.2).
Identifiers: ClinVar variation 675331 (VCV000675331.2), dbSNP rs45535342, ClinGen allele CA35432903.
Genomic context (GRCh38, chr1:201,373,469, plus strand): 5'-AAAAAGCCTGTTTTCTCCCCTGCTGGGGGAGATAGTGACACCCACATGGCAGCAAGGCCA[C>T]CTGCTGATGTCCACTTCGTTCCTTGCCCCTGAACAGGCAATACTGCCTGGGATGCTGCAT-3'